The following is an entry in ClinVar:

ClinVar aggregate classification (germline): Likely benign (1 of 4 stars; one submission).

Conditions:
PLXNA2-related disorder. Also called: PLXNA2-related condition.

Submission:

PreventionGenetics, part of Exact Sciences
Classification: Likely benign for PLXNA2-related condition. Last evaluated: 2025-07-11. Review status: criteria provided, single submitter. Criteria: ACMG Guidelines, 2015. Collection method: clinical testing. Allele origin: germline.
Comment: This variant is classified as likely benign based on ACMG/AMP sequence variant interpretation guidelines (Richards et al. 2015 PMID: 25741868, with internal and published modifications).

NM_025179.4(PLXNA2):c.2649G>A (p.Leu883=)

Gene: PLXNA2 (plexin A2; minus strand). Cytogenetic location: 1q32.2.
Variant type: single nucleotide variant.
Coding change: c.2649G>A on transcript NM_025179.4 (MANE Select); coding-DNA position 2649, G replaced by A.
Protein change: p.Leu883=; no amino-acid change (leucine 883 retained).
Molecular consequence: synonymous variant.
Genome position (GRCh38, 1-based): chr1:208,060,775, C>T on the plus strand (G>A on the coding strand, the complement: PLXNA2 is on the minus strand). VCF-style: chr1-208060775-C-T. GRCh37 (hg19) VCF-style: chr1-208234120-C-T.
Identifiers: ClinVar variation 4997892 (VCV004997892.1).